The following is an entry in ClinVar:

ClinVar aggregate classification (germline): Conflicting classifications of pathogenicity. Review status: criteria provided, conflicting classifications (1 of 4 stars). 3 submissions from 3 submitters: Uncertain significance (1); Benign (1); Likely benign (1). Last evaluated 2026-01-22.

Conditions:
Severe combined immunodeficiency due to DNA-PKcs deficiency. Also called: IMMUNODEFICIENCY 26 WITH NEUROLOGIC ABNORMALITIES; Immunodeficiency 26 with or without neurologic abnormalities. Identifiers: Orphanet 317425, MedGen C4014833, MONDO:0014423, OMIM 615966.

Allele frequency attached by ClinVar (database versions not stated): ExAC 0.00005; gnomAD exomes 0.00006; gnomAD 0.00008 and 0.00010; TOPMed 0.00021.
gnomAD v4.1: 128 of 1,613,002 alleles (0.0079%); highest among the groups gnomAD compares: Middle Eastern, 0.051%; no homozygotes.

Submissions (3):

Women's Health and Genetics/Laboratory Corporation of America, LabCorp
Classification: Likely benign. Last evaluated: 2026-01-22. Review status: criteria provided, single submitter. Criteria: LabCorp Variant Classification Summary - May 2015. Collection method: clinical testing. Allele origin: germline.

Labcorp Genetics (formerly Invitae), Labcorp
Classification: Uncertain significance for Severe combined immunodeficiency due to DNA-PKcs deficiency. Last evaluated: 2022-08-31. Review status: criteria provided, single submitter. Criteria: Invitae Variant Classification Sherloc (09022015). Collection method: clinical testing. Allele origin: germline.
Comment: This sequence change replaces leucine, which is neutral and non-polar, with phenylalanine, which is neutral and non-polar, at codon 2898 of the PRKDC protein (p.Leu2898Phe). This variant is present in population databases (rs746024122, gnomAD 0.01%). This variant has not been reported in the literature in individuals affected with PRKDC-related conditions. ClinVar contains an entry for this variant (Variation ID: 565638). In summary, the available evidence is currently insufficient to determine the role of this variant in disease. Therefore, it has been classified as a Variant of Uncertain Significance.

Mayo Clinic Laboratories, Mayo Clinic
Classification: Benign. Last evaluated: 2019-12-27. Review status: criteria provided, single submitter. Criteria: ACMG Guidelines, 2015. Collection method: clinical testing. Allele origin: germline. Observed: 6 variant alleles.

NM_006904.7(PRKDC):c.8692C>T (p.Leu2898Phe)

Genes: PRKDC (protein kinase, DNA-activated, catalytic subunit; minus strand), LOC121740717 (Sharpr-MPRA regulatory region 7649; plus strand). Cytogenetic location: 8q11.21.
Variant type: single nucleotide variant.
Coding change: c.8692C>T on transcript NM_006904.7 (MANE Select); coding-DNA position 8692, C replaced by T.
Protein change: p.Leu2898Phe; replaces leucine 2898 with phenylalanine.
Molecular consequence: missense variant.
Genome position (GRCh38, 1-based): chr8:47,826,747, G>A on the plus strand (C>T on the coding strand, the complement: PRKDC is on the minus strand). VCF-style: chr8-47826747-G-A. GRCh37 (hg19) VCF-style: chr8-48739308-G-A.
Other names: p.Arg2898Cys; c.8692C>T, p.Leu2898Phe (NM_001081640.2); short protein forms L2898F.
Identifiers: ClinVar variation 565638 (VCV000565638.8), dbSNP rs746024122, ClinGen allele CA4739761.